The following is an entry in ClinVar:

ClinVar aggregate classification (germline): Uncertain significance (1 of 4 stars; one submission).

Conditions:
Hypertrophic cardiomyopathy. Also called: HYPERTROPHIC MYOCARDIOPATHY. Identifiers: Orphanet 217569, MedGen C0007194, MeSH D002312, MONDO:0005045, HP:0001639.

Submission:

Labcorp Genetics (formerly Invitae), Labcorp
Classification: Uncertain significance for Hypertrophic cardiomyopathy. Last evaluated: 2022-07-06. Review status: criteria provided, single submitter. Criteria: Invitae Variant Classification Sherloc (09022015). Collection method: clinical testing. Allele origin: germline.
Comment: In summary, the available evidence is currently insufficient to determine the role of this variant in disease. Therefore, it has been classified as a Variant of Uncertain Significance. Experimental studies and prediction algorithms are not available or were not evaluated, and the functional significance of this variant is currently unknown. This variant has not been reported in the literature in individuals affected with MYH7-related conditions. This variant is not present in population databases (gnomAD no frequency). This variant, c.4468_4470dup, results in the insertion of 1 amino acid(s) of the MYH7 protein (p.Glu1490dup), but otherwise preserves the integrity of the reading frame.

NM_000257.4(MYH7):c.4465GAG[3] (p.Glu1490dup)

Genes: MHRT (myosin heavy chain associated RNA transcript; plus strand), MYH7 (myosin heavy chain 7; minus strand). Cytogenetic location: 14q11.2.
Variant type: Microsatellite.
Coding change: c.4465GAG[3] on transcript NM_000257.4 (MANE Select); three copies in a row of the 3-base unit GAG starting at c.4465; the reference has two copies in a row; one copy, 3 bases duplicated.
Protein change: p.Glu1490dup; duplicates glutamic acid 1490.
Molecular consequence: inframe insertion.
Genome position (GRCh38, 1-based): chr14:23,417,202-23,417,204, CTC duplicated on the plus strand (GAG on the coding strand, the reverse complement: MYH7 is on the minus strand); duplicating any 3 consecutive bases within chr14:23,417,202-23,417,207 gives the same sequence; the position shown is the placement nearest the transcript's 3' end. VCF-style (leftmost placement, unchanged base first): chr14-23417201-A-ACTC. GRCh37 (hg19) VCF-style: chr14-23886410-A-ACTC.
Identifiers: ClinVar variation 579526 (VCV000579526.8), dbSNP rs1566525106, ClinGen allele CA891844056.